The following is an entry in ClinVar:

NM_017882.3(CLN6):c.412C>T (p.Leu138Phe)

Gene: CLN6 (CLN6 transmembrane ER protein; minus strand). Cytogenetic location: 15q23.
Variant type: single nucleotide variant.
Coding change: c.412C>T on transcript NM_017882.3 (MANE Select); coding-DNA position 412, C replaced by T.
Protein change: p.Leu138Phe; replaces leucine 138 with phenylalanine.
Molecular consequence: missense variant.
Genome position (GRCh38, 1-based): chr15:68,211,749, G>A on the plus strand (C>T on the coding strand, the complement: CLN6 is on the minus strand). VCF-style: chr15-68211749-G-A. GRCh37 (hg19) VCF-style: chr15-68504087-G-A.
Other names: c.508C>T, p.Leu170Phe (NM_001411068.1); short protein forms L138F, L170F.
Identifiers: ClinVar variation 2055804 (VCV002055804.4), dbSNP rs2093206049, ClinGen allele CA392973462.

ClinVar aggregate classification (germline): Uncertain significance (1 of 4 stars; one submission).

Conditions:
Neuronal ceroid lipofuscinosis. Also called: Neuronal Ceroid Lipofuscinoses. Identifiers: Orphanet 216, Orphanet 79263, MedGen C0027877, MONDO:0016295. Disease mechanism: loss of function.

Allele frequency attached by ClinVar (database versions not stated): TOPMed below 0.00001; gnomAD 0.00001.
gnomAD v4.1: 1 of 1,613,892 alleles (0.000062%); highest among the groups gnomAD compares: African/African-American, 0.0013%; no homozygotes.

Submission:

Labcorp Genetics (formerly Invitae), Labcorp
Classification: Uncertain significance for Neuronal ceroid lipofuscinosis. Last evaluated: 2023-06-19. Review status: criteria provided, single submitter. Criteria: Invitae Variant Classification Sherloc (09022015). Collection method: clinical testing. Allele origin: germline.
Comment: In summary, the available evidence is currently insufficient to determine the role of this variant in disease. Therefore, it has been classified as a Variant of Uncertain Significance. Algorithms developed to predict the effect of sequence changes on RNA splicing suggest that this variant may create or strengthen a splice site. Advanced modeling of protein sequence and biophysical properties (such as structural, functional, and spatial information, amino acid conservation, physicochemical variation, residue mobility, and thermodynamic stability) performed at Invitae indicates that this missense variant is not expected to disrupt CLN6 protein function. ClinVar contains an entry for this variant (Variation ID: 2055804). This variant has not been reported in the literature in individuals affected with CLN6-related conditions. This variant is not present in population databases (gnomAD no frequency). This sequence change replaces leucine, which is neutral and non-polar, with phenylalanine, which is neutral and non-polar, at codon 138 of the CLN6 protein (p.Leu138Phe).